The following is an entry in ClinVar:

ClinVar aggregate classification (germline): Uncertain significance (1 of 4 stars; one submission).

Conditions:
Kleefstra syndrome 1 (KLEFS1). Identifiers: Orphanet 261494, MedGen C0795833, MONDO:0027407, OMIM 610253.

Allele frequency attached by ClinVar (database versions not stated): TOPMed below 0.00001; gnomAD 0.00001.
gnomAD v4.1: 1 of 1,614,012 alleles (0.000062%); highest among the groups gnomAD compares: African/African-American, 0.0013%; no homozygotes.

Submission:

Labcorp Genetics (formerly Invitae), Labcorp
Classification: Uncertain significance for Kleefstra syndrome 1. Last evaluated: 2023-11-10. Review status: criteria provided, single submitter. Criteria: Invitae Variant Classification Sherloc (09022015). Collection method: clinical testing. Allele origin: germline.
Comment: This sequence change replaces glutamine, which is neutral and polar, with arginine, which is basic and polar, at codon 604 of the EHMT1 protein (p.Gln604Arg). This variant is not present in population databases (gnomAD no frequency). This variant has not been reported in the literature in individuals affected with EHMT1-related conditions. Advanced modeling of protein sequence and biophysical properties (such as structural, functional, and spatial information, amino acid conservation, physicochemical variation, residue mobility, and thermodynamic stability) performed at Invitae indicates that this missense variant is not expected to disrupt EHMT1 protein function with a negative predictive value of 80%. In summary, the available evidence is currently insufficient to determine the role of this variant in disease. Therefore, it has been classified as a Variant of Uncertain Significance.

NM_024757.5(EHMT1):c.1811A>G (p.Gln604Arg)

Gene: EHMT1 (euchromatic histone lysine methyltransferase 1; plus strand). Cytogenetic location: 9q34.3.
Variant type: single nucleotide variant.
Coding change: c.1811A>G on transcript NM_024757.5 (MANE Select); coding-DNA position 1811, A replaced by G.
Protein change: p.Gln604Arg; replaces glutamine 604 with arginine.
Molecular consequence: missense variant.
Genome position (GRCh38, 1-based): chr9:137,776,637, A>G. VCF-style: chr9-137776637-A-G. GRCh37 (hg19) VCF-style: chr9-140671089-A-G.
Other names: c.1811A>G, p.Gln604Arg (NM_001145527.2); c.1718A>G, p.Gln573Arg (NM_001354259.2); c.1790A>G, p.Gln597Arg (NM_001354263.2); short protein forms Q573R, Q604R, Q597R.
Identifiers: ClinVar variation 2979586 (VCV002979586.3), dbSNP rs1950985070, ClinGen allele CA375775593.